The following is an entry in ClinVar:

ClinVar aggregate classification (germline): Benign/Likely benign. Review status: criteria provided, multiple submitters, no conflicts (2 of 4 stars). 5 submissions from 5 submitters: Benign (1); Likely benign (4). Last evaluated 2026-01-01.

Conditions:
Distal myopathy with posterior leg and anterior hand involvement. Also called: WILLIAMS DISTAL MYOPATHY. Identifiers: Orphanet 63273, MedGen C3279722, MONDO:0013550, OMIM 614065.
Myofibrillar myopathy 5. Also called: Filaminopathy (type); FILAMINOPATHY, AUTOSOMAL DOMINANT. Identifiers: Orphanet 171445, MedGen C1836050, MONDO:0012289, OMIM 609524.
Hypertrophic cardiomyopathy 26. Also called: Cardiomyopathy, familial hypertrophic, 26. Identifiers: Orphanet 75249, MedGen C4310749, MONDO:0014883, OMIM 617047.
FLNC-related disorder. Also called: FLNC-related disorders; FLNC-related condition.
Cardiovascular phenotype. Identifiers: MedGen CN230736.

Allele frequency attached by ClinVar (database versions not stated): gnomAD 0.00001; gnomAD exomes 0.00001 and 0.00002; TOPMed 0.00002; ExAC 0.00003.
gnomAD v4.1: 16 of 1,613,128 alleles (0.00099%); highest among the groups gnomAD compares: Non-Finnish European, 0.0013%; no homozygotes.

Submissions (5):

CeGaT Center for Human Genetics Tuebingen
Classification: Likely benign. Last evaluated: 2026-01-01. Review status: criteria provided, single submitter. Criteria: CeGaT Center For Human Genetics Tuebingen Variant Classification Criteria Version 2. Collection method: clinical testing. Allele origin: germline. Affected: yes. Observed: 3 variant alleles.
Comment: FLNC: BP4, BP7

Labcorp Genetics (formerly Invitae), Labcorp
Classification: Benign for Distal myopathy with posterior leg and anterior hand involvement; Myofibrillar myopathy 5; Hypertrophic cardiomyopathy 26. Last evaluated: 2025-12-02. Review status: criteria provided, single submitter. Criteria: Invitae Variant Classification Sherloc (09022015). Collection method: clinical testing. Allele origin: germline.

Molecular Diagnostic Laboratory for Inherited Cardiovascular Disease, Montreal Heart Institute
Classification: Likely benign. Last evaluated: 2025-04-09. Review status: criteria provided, single submitter. Criteria: ACMG Guidelines, 2015. Collection method: clinical testing. Allele origin: germline. Affected: no.

PreventionGenetics, part of Exact Sciences
Classification: Likely benign for FLNC-related condition. Last evaluated: 2025-02-18. Review status: criteria provided, single submitter. Criteria: ACMG Guidelines, 2015. Collection method: clinical testing. Allele origin: germline.
Comment: This variant is classified as likely benign based on ACMG/AMP sequence variant interpretation guidelines (Richards et al. 2015 PMID: 25741868, with internal and published modifications).

Ambry Genetics
Classification: Likely benign for Cardiovascular phenotype. Last evaluated: 2019-05-27. Review status: criteria provided, single submitter. Criteria: Ambry Variant Classification Scheme 2023. Collection method: clinical testing. Allele origin: germline.

NM_001458.5(FLNC):c.5955G>A (p.Ser1985=)

Genes: FLNC (filamin C; plus strand), FLNC-AS1 (FLNC antisense RNA 1; minus strand). Cytogenetic location: 7q32.1.
Variant type: single nucleotide variant.
Coding change: c.5955G>A on transcript NM_001458.5 (MANE Select); coding-DNA position 5955, G replaced by A.
Protein change: p.Ser1985=; no amino-acid change (serine 1985 retained).
Molecular consequence: synonymous variant.
Genome position (GRCh38, 1-based): chr7:128,852,703, G>A. VCF-style: chr7-128852703-G-A. GRCh37 (hg19) VCF-style: chr7-128492757-G-A.
Other names: c.5856G>A, p.Ser1952= (NM_001127487.2).
Identifiers: ClinVar variation 582143 (VCV000582143.54), dbSNP rs777895128, ClinGen allele CA4475843.
Genomic context (GRCh38, chr7:128,852,703, plus strand): 5'-GTCACTGAAGATCACCGAGAGTGATCTGAGCCAGCTGACCGCCAGCATCCGTGCCCCCTC[G>A]GGCAACGAGGAGCCCTGCCTGCTGAAGCGCCTGCCCAACCGGCACATTGGTGAGCGTGGG-3'
Protein context (NP_001449.3, residues 1975-1995): SQLTASIRAP[Ser1985=]GNEEPCLLKR